The following is an entry in ClinVar:

NM_001723.7(DST):c.4123A>G (p.Asn1375Asp)

Gene: DST (dystonin; minus strand). Cytogenetic location: 6p12.1.
Variant type: single nucleotide variant.
Coding change: c.4123A>G on transcript NM_001723.7 (MANE Plus Clinical); coding-DNA position 4123, A replaced by G.
Protein change: p.Asn1375Asp; replaces asparagine 1375 with aspartic acid.
Molecular consequence: missense variant. On other transcripts: intron variant (10).
Genome position (GRCh38, 1-based): chr6:56,619,911, T>C on the plus strand (A>G on the coding strand, the complement: DST is on the minus strand). VCF-style: chr6-56619911-T-C. GRCh37 (hg19) VCF-style: chr6-56484709-T-C.
Other names: c.4830+4619A>G (NM_001144769.5); c.4929+4619A>G (NM_001374722.1, NM_001374736.1); c.4956+4619A>G (NM_001374734.1); c.4416+4619A>G (NM_001144770.2); c.4296+4619A>G (NM_001374730.1, NM_001386100.1, NM_183380.4 and 1 more transcripts); c.3318+4619A>G (NM_015548.5); short protein forms N1375D.
Identifiers: ClinVar variation 541447 (VCV000541447.9), dbSNP rs376587897, ClinGen allele CA3870592.

ClinVar aggregate classification (germline): Uncertain significance (1 of 4 stars; one submission).

Conditions:
Hereditary sensory and autonomic neuropathy type 6. Also called: HSAN VI; Neuropathy, hereditary sensory and autonomic, type VI. Identifiers: Orphanet 314381, MedGen C3539003, MONDO:0013839, OMIM 614653.
Epidermolysis bullosa simplex 3, localized or generalized intermediate, with BP230 deficiency (EBS3). Also called: Epidermolysis bullosa simplex, autosomal recessive 2; Epidermolysis bullosa simplex due to BP230 deficiency. Identifiers: Orphanet 412181, MedGen C3809470, MONDO:0014180, OMIM 615425.

Allele frequency attached by ClinVar (database versions not stated): gnomAD exomes below 0.00001 and 0.00001; ExAC 0.00001; gnomAD 0.00001; TOPMed 0.00001; ESP Exome Variant Server 0.00008.
gnomAD v4.1: 3 of 1,614,088 alleles (0.00019%); highest among the groups gnomAD compares: African/African-American, 0.004%; no homozygotes.

Submission:

Labcorp Genetics (formerly Invitae), Labcorp
Classification: Uncertain significance for Epidermolysis bullosa simplex 3, localized or generalized intermediate, with BP230 deficiency; Hereditary sensory and autonomic neuropathy type 6. Last evaluated: 2022-04-23. Review status: criteria provided, single submitter. Criteria: Invitae Variant Classification Sherloc (09022015). Collection method: clinical testing. Allele origin: germline.
Comment: This sequence change replaces asparagine, which is neutral and polar, with aspartic acid, which is acidic and polar, at codon 1375 of the DST protein (p.Asn1375Asp). This variant is present in population databases (rs376587897, gnomAD 0.01%). This variant has not been reported in the literature in individuals affected with DST-related conditions. ClinVar contains an entry for this variant (Variation ID: 541447). Algorithms developed to predict the effect of missense changes on protein structure and function are either unavailable or do not agree on the potential impact of this missense change (SIFT: "Tolerated"; PolyPhen-2: "Probably Damaging"; Align-GVGD: "Class C0"). In summary, the available evidence is currently insufficient to determine the role of this variant in disease. Therefore, it has been classified as a Variant of Uncertain Significance.